The following is an entry in ClinVar:

ClinVar aggregate classification (germline): Uncertain significance. Review status: criteria provided, multiple submitters, no conflicts (2 of 4 stars). 3 submissions from 3 submitters: Uncertain significance (3). Last evaluated 2025-01-22.

Conditions:
Arrhythmogenic cardiomyopathy with wooly hair and keratoderma. Also called: Arrhythmogenic cardiomyopathy with woolly hair and keratoderma; Dilated cardiomyopathy with woolly hair and keratoderma; PALMOPLANTAR KERATODERMA WITH LEFT VENTRICULAR CARDIOMYOPATHY AND WOOLLY HAIR; Carvajal syndrome. Identifiers: Orphanet 65282, MedGen C1854063, MONDO:0011581, OMIM 605676.
Arrhythmogenic right ventricular dysplasia 8 (ARVD8). Also called: Arrhythmogenic Right Ventricular Dysplasia/Cardiomyopathy 8; ARRHYTHMOGENIC RIGHT VENTRICULAR CARDIOMYOPATHY 8; ARRHYTHMOGENIC RIGHT VENTRICULAR DYSPLASIA, FAMILIAL, 8. Identifiers: MedGen C1843896, MONDO:0011831, OMIM 607450.
Cardiovascular phenotype. Identifiers: MedGen CN230736.

Allele frequency attached by ClinVar (database versions not stated): gnomAD exomes below 0.00001; gnomAD 0.00001; TOPMed 0.00001.
gnomAD v4.1: 5 of 1,613,850 alleles (0.00031%); highest among the groups gnomAD compares: African/African-American, 0.004%; no homozygotes.

Submissions (3):

Labcorp Genetics (formerly Invitae), Labcorp
Classification: Uncertain significance for Arrhythmogenic cardiomyopathy with wooly hair and keratoderma; Arrhythmogenic right ventricular dysplasia 8. Last evaluated: 2025-01-22. Review status: criteria provided, single submitter. Criteria: Invitae Variant Classification Sherloc (09022015). Collection method: clinical testing. Allele origin: germline.
Comment: This sequence change replaces lysine, which is basic and polar, with glutamic acid, which is acidic and polar, at codon 140 of the DSP protein (p.Lys140Glu). This variant is not present in population databases (gnomAD no frequency). This variant has not been reported in the literature in individuals affected with DSP-related conditions. ClinVar contains an entry for this variant (Variation ID: 1738553). An algorithm developed to predict the effect of missense changes on protein structure and function (PolyPhen-2) suggests that this variant is likely to be disruptive. In summary, the available evidence is currently insufficient to determine the role of this variant in disease. Therefore, it has been classified as a Variant of Uncertain Significance.

All of Us Research Program, National Institutes of Health
Classification: Uncertain significance for Arrhythmogenic cardiomyopathy with wooly hair and keratoderma. Last evaluated: 2024-05-14. Review status: criteria provided, single submitter. Criteria: ACMG Guidelines, 2015. Collection method: clinical testing. Allele origin: germline. Inheritance: Autosomal dominant inheritance. Observed: 1 variant allele, 1 heterozygote.
Comment: This missense variant replaces lysine with glutamic acid at codon 140 of the DSP protein. Computational prediction suggests that this variant may not impact protein structure and function (internally defined REVEL score threshold <= 0.5, PMID: 27666373). To our knowledge, functional studies have not been reported for this variant. This variant has not been reported in individuals affected with DSP-related disorders in the literature. This variant has not been identified in the general population by the Genome Aggregation Database (gnomAD). The available evidence is insufficient to determine the role of this variant in disease conclusively. Therefore, this variant is classified as a Variant of Uncertain Significance.

This study involves interpretation of variants in research participants for the purpose of population health screening. Participant phenotype was not available at the time of variant classification. Additional details can be found in publication PMID: 35346344, PMCID: PMC8962531

Ambry Genetics
Classification: Uncertain significance for Cardiovascular phenotype. Last evaluated: 2022-03-24. Review status: criteria provided, single submitter. Criteria: Ambry Variant Classification Scheme 2023. Collection method: clinical testing. Allele origin: germline.
Comment: The p.K140E variant (also known as c.418A>G), located in coding exon 3 of the DSP gene, results from an A to G substitution at nucleotide position 418. The lysine at codon 140 is replaced by glutamic acid, an amino acid with similar properties. This amino acid position is highly conserved in available vertebrate species. In addition, the in silico prediction for this alteration is inconclusive. Since supporting evidence is limited at this time, the clinical significance of this alteration remains unclear.

NM_004415.4(DSP):c.418A>G (p.Lys140Glu)

Gene: DSP (desmoplakin; plus strand). Cytogenetic location: 6p24.3.
Variant type: single nucleotide variant.
Coding change: c.418A>G on transcript NM_004415.4 (MANE Select); coding-DNA position 418, A replaced by G.
Protein change: p.Lys140Glu; replaces lysine 140 with glutamic acid.
Molecular consequence: missense variant.
Genome position (GRCh38, 1-based): chr6:7,558,260, A>G. VCF-style: chr6-7558260-A-G. GRCh37 (hg19) VCF-style: chr6-7558493-A-G.
Other names: c.418A>G, p.Lys140Glu (NM_001008844.3, NM_001319034.2, NM_001406591.1); short protein forms K140E.
Identifiers: ClinVar variation 1738553 (VCV001738553.8), dbSNP rs1758564402, ClinGen allele CA362671437.
Genomic context (GRCh38, chr6:7,558,260, plus strand): 5'-ATCCTCGACAGCTTGATCAGAGAGATGCGGCAGATGGGCCAGCCCTGTGATGCTTACCAG[A>G]AAAGGTATTGTCCACAGAGCATGGATCGGGCAGTCCCCATGAAAAAGAACACCACATAAC-3'
Protein context (NP_004406.2, residues 130-150): QMGQPCDAYQ[Lys140Glu]RLLQLQEQMR